The following is an entry in ClinVar:

ClinVar aggregate classification (germline): Likely pathogenic (1 of 4 stars; one submission).

Submission:

Labcorp Genetics (formerly Invitae), Labcorp
Classification: Likely pathogenic. Last evaluated: 2024-10-21. Review status: criteria provided, single submitter. Criteria: Invitae Variant Classification Sherloc (09022015). Collection method: clinical testing. Allele origin: germline.
Comment: This sequence change replaces aspartic acid, which is acidic and polar, with histidine, which is basic and polar, at codon 397 of the COMP protein (p.Asp397His). This variant is not present in population databases (gnomAD no frequency). This missense change has been observed in individual(s) with COMP-related conditions (PMID: 21922596). In at least one individual the variant was observed to be de novo. ClinVar contains an entry for this variant (Variation ID: 1067973). Invitae Evidence Modeling of protein sequence and biophysical properties (such as structural, functional, and spatial information, amino acid conservation, physicochemical variation, residue mobility, and thermodynamic stability) indicates that this missense variant is expected to disrupt COMP protein function with a positive predictive value of 80%. This variant disrupts the p.Asp397 amino acid residue in COMP. Other variant(s) that disrupt this residue have been observed in individuals with COMP-related conditions (PMID: 21644213), which suggests that this may be a clinically significant amino acid residue. In summary, the currently available evidence indicates that the variant is pathogenic, but additional data are needed to prove that conclusively. Therefore, this variant has been classified as Likely Pathogenic.

Literature cited by the submitters: PubMed 21922596; PubMed 21644213.

NM_000095.3(COMP):c.1189G>C (p.Asp397His)

Gene: COMP (cartilage oligomeric matrix protein; minus strand). Cytogenetic location: 19p13.11.
Variant type: single nucleotide variant.
Coding change: c.1189G>C on transcript NM_000095.3 (MANE Select); coding-DNA position 1189, G replaced by C.
Protein change: p.Asp397His; replaces aspartic acid 397 with histidine.
Molecular consequence: missense variant.
Genome position (GRCh38, 1-based): chr19:18,786,597, C>G on the plus strand (G>C on the coding strand, the complement: COMP is on the minus strand). VCF-style: chr19-18786597-C-G. GRCh37 (hg19) VCF-style: chr19-18897407-C-G.
Other names: short protein forms D397H.
Identifiers: ClinVar variation 1067973 (VCV001067973.9), dbSNP rs1479804676, ClinGen allele CA404886736.